The following is an entry in ClinVar:

ClinVar aggregate classification (germline): Uncertain significance (1 of 4 stars; one submission).

Conditions:
Brugada syndrome. Also called: Sudden Unexplained Death Syndrome; Sudden Unexplained Nocturnal Death Syndrome (SUNDS); Sudden unexpected nocturnal death syndrome; Sudden unexplained nocturnal death syndrome. Identifiers: Orphanet 130, MedGen C1142166, MONDO:0015263.

Allele frequency attached by ClinVar (database versions not stated): gnomAD exomes below 0.00001; gnomAD 0.00001.
gnomAD v4.1: 6 of 1,614,008 alleles (0.00037%); highest among the groups gnomAD compares: South Asian, 0.0011%; no homozygotes.

Submission:

Labcorp Genetics (formerly Invitae), Labcorp
Classification: Uncertain significance for Brugada syndrome. Last evaluated: 2023-04-09. Review status: criteria provided, single submitter. Criteria: Invitae Variant Classification Sherloc (09022015). Collection method: clinical testing. Allele origin: germline.
Comment: In summary, the available evidence is currently insufficient to determine the role of this variant in disease. Therefore, it has been classified as a Variant of Uncertain Significance. Advanced modeling of protein sequence and biophysical properties (such as structural, functional, and spatial information, amino acid conservation, physicochemical variation, residue mobility, and thermodynamic stability) performed at Invitae indicates that this missense variant is expected to disrupt GPD1L protein function. ClinVar contains an entry for this variant (Variation ID: 1059865). This variant has not been reported in the literature in individuals affected with GPD1L-related conditions. This variant is present in population databases (no rsID available, gnomAD 0.01%). This sequence change replaces cysteine, which is neutral and slightly polar, with tyrosine, which is neutral and polar, at codon 164 of the GPD1L protein (p.Cys164Tyr).

NM_015141.4(GPD1L):c.491G>A (p.Cys164Tyr)

Gene: GPD1L (glycerol-3-phosphate dehydrogenase 1 like; plus strand). Cytogenetic location: 3p22.3.
Variant type: single nucleotide variant.
Coding change: c.491G>A on transcript NM_015141.4 (MANE Select); coding-DNA position 491, G replaced by A.
Protein change: p.Cys164Tyr; replaces cysteine 164 with tyrosine.
Molecular consequence: missense variant.
Genome position (GRCh38, 1-based): chr3:32,140,352, G>A. VCF-style: chr3-32140352-G-A. GRCh37 (hg19) VCF-style: chr3-32181844-G-A.
Other names: short protein forms C164Y.
Identifiers: ClinVar variation 1059865 (VCV001059865.3), dbSNP rs1471870007, ClinGen allele CA351974929.